The following is an entry in ClinVar:

ClinVar aggregate classification (germline): Conflicting classifications of pathogenicity. Review status: criteria provided, conflicting classifications (1 of 4 stars). 3 submissions from 3 submitters: Uncertain significance (1); Benign (1); Likely benign (1). Last evaluated 2024-03-13.

Conditions:
Mitochondrial complex I deficiency, nuclear type 1. Also called: NADH-COENZYME Q REDUCTASE DEFICIENCY; MITOCHONDRIAL NADH DEHYDROGENASE COMPONENT OF COMPLEX I, DEFICIENCY OF. Identifiers: MedGen C6022305, MONDO:0100224, OMIM 252010.

Allele frequency attached by ClinVar (database versions not stated): TOPMed 0.00004; 1000 Genomes Project 30x 0.00016; 1000 Genomes Project 0.00020; gnomAD exomes 0.00057 and 0.00141; ExAC 0.00122; gnomAD 0.00126 and 0.00138.
gnomAD v4.1: 1,011 of 1,613,144 alleles (0.063%); highest among the groups gnomAD compares: Non-Finnish European, 0.0036%; 11 homozygotes.

Submissions (3):

Labcorp Genetics (formerly Invitae), Labcorp
Classification: Benign. Last evaluated: 2024-03-13. Review status: criteria provided, single submitter. Criteria: Invitae Variant Classification Sherloc (09022015). Collection method: clinical testing. Allele origin: germline.

Illumina Laboratory Services, Illumina
Classification: Uncertain significance for Mitochondrial complex I deficiency, nuclear type 1. Last evaluated: 2018-01-13. Review status: criteria provided, single submitter. Criteria: ICSL Variant Classification Criteria 13 December 2019. Collection method: clinical testing. Allele origin: germline.

GeneDx
Classification: Likely benign. Last evaluated: 2016-08-03. Review status: criteria provided, single submitter. Criteria: GeneDx Variant Classification (06012015). Collection method: clinical testing. Allele origin: germline. Affected: yes.
Comment: This variant is considered likely benign or benign based on one or more of the following criteria: it is a conservative change, it occurs at a poorly conserved position in the protein, it is predicted to be benign by multiple in silico algorithms, and/or has population frequency not consistent with disease.

NM_014165.4(NDUFAF4):c.491T>A (p.Phe164Tyr)

Gene: NDUFAF4 (NADH:ubiquinone oxidoreductase complex assembly factor 4; minus strand). Cytogenetic location: 6q16.1.
Variant type: single nucleotide variant.
Coding change: c.491T>A on transcript NM_014165.4 (MANE Select); coding-DNA position 491, T replaced by A.
Protein change: p.Phe164Tyr; replaces phenylalanine 164 with tyrosine.
Molecular consequence: missense variant.
Genome position (GRCh38, 1-based): chr6:96,891,141, A>T on the plus strand (T>A on the coding strand, the complement: NDUFAF4 is on the minus strand). VCF-style: chr6-96891141-A-T. GRCh37 (hg19) VCF-style: chr6-97339017-A-T.
Other names: short protein forms F164Y.
Identifiers: ClinVar variation 358271 (VCV000358271.7), dbSNP rs201754378, ClinGen allele CA3931381.